The following is an entry in ClinVar:

NM_004341.5(CAD):c.3131C>G (p.Ser1044Trp)

Gene: CAD (carbamoyl-phosphate synthetase 2, aspartate transcarbamylase, and dihydroorotase; plus strand). Cytogenetic location: 2p23.3.
Variant type: single nucleotide variant.
Coding change: c.3131C>G on transcript NM_004341.5 (MANE Select); coding-DNA position 3131, C replaced by G.
Protein change: p.Ser1044Trp; replaces serine 1044 with tryptophan.
Molecular consequence: missense variant.
Genome position (GRCh38, 1-based): chr2:27,233,451, C>G. VCF-style: chr2-27233451-C-G. GRCh37 (hg19) VCF-style: chr2-27456319-C-G.
Other names: c.2942C>G, p.Ser981Trp (NM_001306079.2); c.3131C>G (NM_004341.3); short protein forms S981W, S1044W.
Identifiers: ClinVar variation 1445845 (VCV001445845.4), dbSNP rs201710900, ClinGen allele CA1573206.
Genomic context (GRCh38, chr2:27,233,451, plus strand): 5'-CCATGGCGTTGCATCGGCAGCAGTGCCGGGTGCTGGGCACCTCCCCTGAAGCCATTGACT[C>G]GGCTGAGAACCGTTTCAAGTTTTCCCGGCTCCTTGACACCATTGGTATCAGCCAGCCTCA-3'
Protein context (NP_004332.2, residues 1034-1054): VLGTSPEAID[Ser1044Trp]AENRFKFSRL

ClinVar aggregate classification (germline): Uncertain significance. Review status: criteria provided, multiple submitters, no conflicts (2 of 4 stars). 2 submissions from 2 submitters: Uncertain significance (2). Last evaluated 2026-02-19.

gnomAD v4.1: 69 of 1,614,116 alleles (0.0043%); highest among the groups gnomAD compares: Non-Finnish European, 0.0057%; no homozygotes.

Submissions (2):

GeneDx
Classification: Uncertain significance. Last evaluated: 2026-02-19. Review status: criteria provided, single submitter. Criteria: GeneDx Variant Classification Process June 2021. Collection method: clinical testing. Allele origin: germline.
Comment: Not observed at significant frequency in large population cohorts (gnomAD); In silico analysis supports that this missense variant has a deleterious effect on protein structure/function; Has not been previously published as pathogenic or benign to our knowledge

Labcorp Genetics (formerly Invitae), Labcorp
Classification: Uncertain significance. Last evaluated: 2021-09-16. Review status: criteria provided, single submitter. Criteria: Invitae Variant Classification Sherloc (09022015). Collection method: clinical testing. Allele origin: germline.
Comment: This sequence change replaces serine with tryptophan at codon 1044 of the CAD protein (p.Ser1044Trp). The serine residue is moderately conserved and there is a large physicochemical difference between serine and tryptophan. This variant is present in population databases (rs201710900, ExAC 0.001%). This variant has not been reported in the literature in individuals affected with CAD-related conditions. Algorithms developed to predict the effect of missense changes on protein structure and function are either unavailable or do not agree on the potential impact of this missense change (SIFT: "Deleterious"; PolyPhen-2: "Possibly Damaging"; Align-GVGD: "Class C15"). In summary, the available evidence is currently insufficient to determine the role of this variant in disease. Therefore, it has been classified as a Variant of Uncertain Significance.